The following is an entry in ClinVar:

NM_002528.7(NTHL1):c.873del (p.Cys292fs)

Gene: NTHL1 (nth like DNA glycosylase 1; minus strand). Cytogenetic location: 16p13.3.
Variant type: Deletion.
Coding change: c.873del on transcript NM_002528.7 (MANE Select); coding-DNA position 873, one base deleted (C; older notation c.873delC).
Protein change: p.Cys292fs; shifts the reading frame from cysteine 292.
Molecular consequence: frameshift variant.
Genome position (GRCh38, 1-based): chr16:2,039,966, G deleted on the plus strand (C on the coding strand, the reverse complement: NTHL1 is on the minus strand); the first of 2 consecutive G bases (chr16:2,039,966-2,039,967); deleting either gives the same sequence. VCF-style (leftmost placement, unchanged base first): chr16-2039965-AG-A. GRCh37 (hg19) VCF-style: chr16-2089966-AG-A.
Other names: c.702del, p.Cys235fs (NM_001318193.2); c.543del, p.Cys182fs (NM_001318194.2); short protein forms C182fs, C235fs, C292fs.
Identifiers: ClinVar variation 1008817 (VCV001008817.6), dbSNP rs2084236755, ClinGen allele CA2202013463.

ClinVar aggregate classification (germline): Uncertain significance (1 of 4 stars; one submission).

Submission:

Labcorp Genetics (formerly Invitae), Labcorp
Classification: Uncertain significance. Last evaluated: 2020-07-29. Review status: criteria provided, single submitter. Criteria: Invitae Variant Classification Sherloc (09022015). Collection method: clinical testing. Allele origin: germline.
Comment: In summary, the available evidence is currently insufficient to determine the role of this variant in disease. Therefore, it has been classified as a Variant of Uncertain Significance. This variant has not been reported in the literature in individuals with NTHL1-related conditions. This sequence change results in a frameshift in the NTHL1 gene (p.Cys300Alafs*41). While this is not anticipated to result in nonsense mediated decay, it is expected to disrupt the last 13 amino acids of the NTHL1 protein and extend the protein by an additional 28 amino acids. This variant is not present in population databases (ExAC no frequency).